The following is an entry in ClinVar:

ClinVar aggregate classification (germline): Uncertain significance. Review status: criteria provided, multiple submitters, no conflicts (2 of 4 stars). 2 submissions from 2 submitters: Uncertain significance (2). Last evaluated 2025-02-22.

Conditions:
Melanoma, cutaneous malignant, susceptibility to, 5. Also called: Cutaneous malignant melanoma 5. Identifiers: Orphanet 618, MedGen C2751295, MONDO:0013133, OMIM 613099.

Allele frequency attached by ClinVar (database versions not stated): TOPMed below 0.00001.

Submissions (2):

Ambry Genetics
Classification: Uncertain significance. Last evaluated: 2025-02-22. Review status: criteria provided, single submitter. Criteria: Ambry Variant Classification Scheme 2023. Collection method: clinical testing. Allele origin: germline.
Comment: The p.F280L variant (also known as c.840C>A), located in coding exon 1 of the MC1R gene, results from a C to A substitution at nucleotide position 840. The phenylalanine at codon 280 is replaced by leucine, an amino acid with highly similar properties. This amino acid position is conserved. In addition, this alteration is predicted to be tolerated by in silico analysis. Based on the available evidence, the clinical significance of this variant remains unclear.

Labcorp Genetics (formerly Invitae), Labcorp
Classification: Uncertain significance for Melanoma, cutaneous malignant, susceptibility to, 5. Last evaluated: 2022-06-22. Review status: criteria provided, single submitter. Criteria: Invitae Variant Classification Sherloc (09022015). Collection method: clinical testing. Allele origin: germline.
Comment: In summary, the available evidence is currently insufficient to determine the role of this variant in disease. Therefore, it has been classified as a Variant of Uncertain Significance. Algorithms developed to predict the effect of missense changes on protein structure and function are either unavailable or do not agree on the potential impact of this missense change (SIFT: "Deleterious"; PolyPhen-2: "Benign"; Align-GVGD: "Class C15"). This sequence change replaces phenylalanine, which is neutral and non-polar, with leucine, which is neutral and non-polar, at codon 280 of the MC1R protein (p.Phe280Leu). This variant is not present in population databases (gnomAD no frequency). This variant has not been reported in the literature in individuals affected with MC1R-related conditions.

NM_002386.4(MC1R):c.840C>A (p.Phe280Leu)

Gene: MC1R (melanocortin 1 receptor; plus strand). Cytogenetic location: 16q24.3.
Variant type: single nucleotide variant.
Coding change: c.840C>A on transcript NM_002386.4 (MANE Select); coding-DNA position 840, C replaced by A.
Protein change: p.Phe280Leu; replaces phenylalanine 280 with leucine.
Molecular consequence: missense variant.
Genome position (GRCh38, 1-based): chr16:89,920,098, C>A. VCF-style: chr16-89920098-C-A. GRCh37 (hg19) VCF-style: chr16-89986506-C-A.
Other names: c.840C>A (NM_002386.3); short protein forms F280L.
Identifiers: ClinVar variation 1989937 (VCV001989937.5), dbSNP rs2045705739, ClinGen allele CA397463444.